The following is an entry in ClinVar:

ClinVar aggregate classification (germline): Uncertain significance (1 of 4 stars; one submission).

Submission:

Labcorp Genetics (formerly Invitae), Labcorp
Classification: Uncertain significance. Last evaluated: 2021-08-31. Review status: criteria provided, single submitter. Criteria: Invitae Variant Classification Sherloc (09022015). Collection method: clinical testing. Allele origin: germline.
Comment: This sequence change replaces arginine with leucine at codon 184 of the CABP4 protein (p.Arg184Leu). The arginine residue is weakly conserved and there is a moderate physicochemical difference between arginine and leucine. This variant is not present in population databases (ExAC no frequency). This variant has not been reported in the literature in individuals affected with CABP4-related conditions. Algorithms developed to predict the effect of missense changes on protein structure and function (SIFT, PolyPhen-2, Align-GVGD) all suggest that this variant is likely to be tolerated. In summary, the available evidence is currently insufficient to determine the role of this variant in disease. Therefore, it has been classified as a Variant of Uncertain Significance.

NM_145200.5(CABP4):c.551G>T (p.Arg184Leu)

Gene: CABP4 (calcium binding protein 4; plus strand). Cytogenetic location: 11q13.2.
Variant type: single nucleotide variant.
Coding change: c.551G>T on transcript NM_145200.5 (MANE Select); coding-DNA position 551, G replaced by T.
Protein change: p.Arg184Leu; replaces arginine 184 with leucine.
Molecular consequence: missense variant. On other transcripts: non-coding transcript variant (1).
Genome position (GRCh38, 1-based): chr11:67,457,582, G>T. VCF-style: chr11-67457582-G-T. GRCh37 (hg19) VCF-style: chr11-67225053-G-T.
Other names: c.236G>T, p.Arg79Leu (NM_001300895.3, NM_001300896.3, NM_001379183.1); short protein forms R184L, R79L.
Identifiers: ClinVar variation 1516448 (VCV001516448.5), dbSNP rs775087763, ClinGen allele CA381531226.
Genomic context (GRCh38, chr11:67,457,582, plus strand): 5'-GGCTTCAGACCTTATGCCCTCACCATTGTGACACTCTTCCTGGGTCTGCAGTGGGCGGCC[G>T]TGTGGACTTTGAGGAGTTTGTAGAACTGATAGGCCCAAAGCTGAGGGAGGAGACGGCGCA-3'
Protein context (NP_660201.1, residues 174-194): SQHIKMRMGG[Arg184Leu]VDFEEFVELI